The following is an entry in ClinVar:

NM_001322934.2(NFKB2):c.1285A>G (p.Thr429Ala)

Genes: NFKB2 (nuclear factor kappa B subunit 2; plus strand), LOC130004599 (ATAC-STARR-seq lymphoblastoid silent region 2756; plus strand). Cytogenetic location: 10q24.32.
Variant type: single nucleotide variant.
Coding change: c.1285A>G on transcript NM_001322934.2 (MANE Select); coding-DNA position 1285, A replaced by G.
Protein change: p.Thr429Ala; replaces threonine 429 with alanine.
Molecular consequence: missense variant.
Genome position (GRCh38, 1-based): chr10:102,399,455, A>G. VCF-style: chr10-102399455-A-G. GRCh37 (hg19) VCF-style: chr10-104159212-A-G.
Other names: c.1285A>G, p.Thr429Ala (NM_001077493.1, NM_001077494.3, NM_001261403.3 and 2 more transcripts); c.1159A>G, p.Thr387Ala (NM_001322935.1); short protein forms T387A, T429A.
Identifiers: ClinVar variation 2157041 (VCV002157041.4), dbSNP rs1405716353, ClinGen allele CA377899282.
Genomic context (GRCh38, chr10:102,399,455, plus strand): 5'-GCCACGGTGCCCAGCAGGGACTCCGGGGAGGAAGCCGCGGAGCCAAGCGCCCCCTCCAGG[A>G]CCCCCCAGTGCGAGCCGCAGGCCCCGGAGATGCTGCAGCGAGGTATGGACTCCGGGGCAC-3'
Protein context (NP_001309863.1, residues 419-439): EAAEPSAPSR[Thr429Ala]PQCEPQAPEM

ClinVar aggregate classification (germline): Uncertain significance (1 of 4 stars; one submission).

Conditions:
Immunodeficiency, common variable, 10. Also called: IMMUNODEFICIENCY, COMMON VARIABLE, WITH CENTRAL ADRENAL INSUFFICIENCY; DEFICIT IN ANTERIOR PITUITARY FUNCTION AND VARIABLE IMMUNODEFICIENCY. Identifiers: MedGen C3809991, MONDO:0014260, OMIM 615577.

Allele frequency attached by ClinVar (database versions not stated): gnomAD exomes 0.00001; TOPMed 0.00002.

Submission:

Labcorp Genetics (formerly Invitae), Labcorp
Classification: Uncertain significance for Immunodeficiency, common variable, 10. Last evaluated: 2024-03-14. Review status: criteria provided, single submitter. Criteria: Invitae Variant Classification Sherloc (09022015). Collection method: clinical testing. Allele origin: germline.
Comment: This sequence change replaces threonine, which is neutral and polar, with alanine, which is neutral and non-polar, at codon 429 of the NFKB2 protein (p.Thr429Ala). This variant is present in population databases (no rsID available, gnomAD 0.003%). This variant has not been reported in the literature in individuals affected with NFKB2-related conditions. ClinVar contains an entry for this variant (Variation ID: 2157041). Algorithms developed to predict the effect of missense changes on protein structure and function output the following: SIFT: "Not Available"; PolyPhen-2: "Benign"; Align-GVGD: "Not Available". The alanine amino acid residue is found in multiple mammalian species, which suggests that this missense change does not adversely affect protein function. In summary, the available evidence is currently insufficient to determine the role of this variant in disease. Therefore, it has been classified as a Variant of Uncertain Significance.